The following is an entry in ClinVar:

ClinVar aggregate classification (germline): Uncertain significance (1 of 4 stars; one submission).

gnomAD v4.1: 1 of 1,573,190 alleles (0.000064%); no homozygotes.

Submission:

Labcorp Genetics (formerly Invitae), Labcorp
Classification: Uncertain significance. Last evaluated: 2022-06-13. Review status: criteria provided, single submitter. Criteria: Invitae Variant Classification Sherloc (09022015). Collection method: clinical testing. Allele origin: germline.
Comment: This sequence change replaces alanine, which is neutral and non-polar, with valine, which is neutral and non-polar, at codon 292 of the GRM6 protein (p.Ala292Val). This variant is not present in population databases (gnomAD no frequency). This variant has not been reported in the literature in individuals affected with GRM6-related conditions. Advanced modeling of protein sequence and biophysical properties (such as structural, functional, and spatial information, amino acid conservation, physicochemical variation, residue mobility, and thermodynamic stability) performed at Invitae indicates that this missense variant is not expected to disrupt GRM6 protein function. In summary, the available evidence is currently insufficient to determine the role of this variant in disease. Therefore, it has been classified as a Variant of Uncertain Significance.

NM_000843.4(GRM6):c.875C>T (p.Ala292Val)

Gene: GRM6 (glutamate metabotropic receptor 6; minus strand). Cytogenetic location: 5q35.3.
Variant type: single nucleotide variant.
Coding change: c.875C>T on transcript NM_000843.4 (MANE Select); coding-DNA position 875, C replaced by T.
Protein change: p.Ala292Val; replaces alanine 292 with valine.
Molecular consequence: missense variant.
Genome position (GRCh38, 1-based): chr5:178,990,729, G>A on the plus strand (C>T on the coding strand, the complement: GRM6 is on the minus strand). VCF-style: chr5-178990729-G-A. GRCh37 (hg19) VCF-style: chr5-178417730-G-A.
Other names: short protein forms A292V.
Identifiers: ClinVar variation 1519416 (VCV001519416.3), dbSNP rs1468825027, ClinGen allele CA362432296.